The following is an entry in ClinVar:

NM_000219.6(KCNE1):c.*2194T>C

Gene: KCNE1 (potassium voltage-gated channel subfamily E regulatory subunit 1; minus strand). Cytogenetic location: 21q22.12.
Variant type: single nucleotide variant.
Coding change: c.*2194T>C on transcript NM_000219.6 (MANE Select); 2194 bases downstream of the stop codon, T replaced by C.
Molecular consequence: 3 prime UTR variant.
Genome position (GRCh38, 1-based): chr21:34,447,051, A>G on the plus strand (T>C on the coding strand, the complement: KCNE1 is on the minus strand). VCF-style: chr21-34447051-A-G. GRCh37 (hg19) VCF-style: chr21-35819349-A-G.
Other names: c.*2194T>C (NM_001127668.4, NM_001127669.4, NM_001127670.4 and 4 more transcripts).
Identifiers: ClinVar variation 339727 (VCV000339727.6), dbSNP rs529806670, ClinGen allele CA10650380.

ClinVar aggregate classification (germline): Likely benign. Review status: criteria provided, single submitter (1 of 4 stars). 2 submissions from 1 submitter: Likely benign (2). Last evaluated 2018-01-12.

Conditions:
Long QT syndrome 5 (LQT5). Identifiers: Orphanet 101016, Orphanet 768, MedGen C1867904, MONDO:0013372, OMIM 613695.
Jervell and Lange-Nielsen syndrome 2 (JLNS2). Identifiers: Orphanet 768, Orphanet 90647, MedGen C2676723, MONDO:0012871, OMIM 612347.

Allele frequency attached by ClinVar (database versions not stated): gnomAD 0.00003; 1000 Genomes Project 0.00060.

Submissions (2):

Illumina Laboratory Services, Illumina
Classification: Likely benign for Jervell and Lange-Nielsen syndrome 2. Last evaluated: 2018-01-12. Review status: criteria provided, single submitter. Criteria: ICSL Variant Classification Criteria 13 December 2019. Collection method: clinical testing. Allele origin: germline.
Comment: This variant was observed in the ICSL laboratory as part of a predisposition screen in an ostensibly healthy population. It had not been previously curated by ICSL or reported in the Human Gene Mutation Database (HGMD: prior to June 1st, 2018), and was therefore a candidate for classification through an automated scoring system. Utilizing variant allele frequency, disease prevalence and penetrance estimates, and inheritance mode, an automated score was calculated to assess if this variant is too frequent to cause the disease. Based on the score and internal cut-off values, a variant classified as likely benign is not then subjected to further curation. The score for this variant resulted in a classification of likely benign for this disease.

Illumina Laboratory Services, Illumina
Classification: Likely benign for Long QT syndrome 5. Last evaluated: 2018-01-12. Review status: criteria provided, single submitter. Criteria: ICSL Variant Classification Criteria 13 December 2019. Collection method: clinical testing. Allele origin: germline.
Comment: the same text as in the submission from Illumina Laboratory Services, Illumina above.